The following is an entry in ClinVar:

ClinVar aggregate classification (germline): Uncertain significance (1 of 4 stars; one submission).

Allele frequency attached by ClinVar (database versions not stated): gnomAD 0.00001.

Submission:

GeneDx
Classification: Uncertain significance. Last evaluated: 2019-09-30. Review status: criteria provided, single submitter. Criteria: GeneDx Variant Classification Process June 2021. Collection method: clinical testing. Allele origin: germline. Affected: yes.
Comment: Not observed in large population cohorts (Lek et al., 2016); Missense variant in a gene in which most reported pathogenic variants are truncating/loss-of-function; Has not been previously published as pathogenic or benign to our knowledge

NM_001267550.2(TTN):c.29213A>T (p.Gln9738Leu)

Gene: TTN (titin; minus strand). Cytogenetic location: 2q31.2.
Variant type: single nucleotide variant.
Coding change: c.29213A>T on transcript NM_001267550.2 (MANE Select); coding-DNA position 29213, A replaced by T.
Protein change: p.Gln9738Leu; replaces glutamine 9738 with leucine.
Molecular consequence: missense variant. On other transcripts: intron variant (3).
Genome position (GRCh38, 1-based): chr2:178,706,661, T>A on the plus strand (A>T on the coding strand, the complement: TTN is on the minus strand). VCF-style: chr2-178706661-T-A. GRCh37 (hg19) VCF-style: chr2-179571388-T-A.
Other names: c.28262A>T, p.Gln9421Leu (NM_001256850.1); c.25481A>T, p.Gln8494Leu (NM_133378.4); c.13282+31421A>T (NM_003319.4); c.13858+31421A>T (NM_133437.4); c.13657+31421A>T (NM_133432.3); short protein forms Q8494L, Q9421L, Q9738L.
Identifiers: ClinVar variation 1308892 (VCV001308892.2), dbSNP rs1370390355, ClinGen allele CA349583848.
Genomic context (GRCh38, chr2:178,706,661, plus strand): 5'-ATCTCCAGTTTTGCTTCATCGCCTTTTTGGTGGATGAAAACACGACCTCCTTGGTTCAGC[T>A]GTCTCCACTTCCCTTTTGTCCATTTAACATTTGGGATTGGGTCACCTCCAACTTTTGCAA-3'
Protein context (NP_001254479.2, residues 9728-9748): NVKWTKGKWR[Gln9738Leu]LNQGGRVFIH